The following is an entry in ClinVar:

NM_002075.4(GNB3):c.709_719del (p.Asn237fs)

Genes: CDCA3 (cell division cycle associated 3; minus strand), GNB3 (G protein subunit beta 3; plus strand). Cytogenetic location: 12p13.31.
Variant type: Deletion.
Coding change: c.709_719del on transcript NM_002075.4 (MANE Select); coding-DNA positions 709 to 719, 11 bases deleted (AATGGAGAGGC).
Protein change: p.Asn237fs; shifts the reading frame from asparagine 237.
Molecular consequence: frameshift variant. On other transcripts: 3 prime UTR variant (1).
Genome position (GRCh38, 1-based): chr12:6,845,595-6,845,605, AATGGAGAGGC deleted; deleting any 11 consecutive bases within chr12:6,845,594-6,845,605 gives the same sequence; the c. name uses the placement nearest the transcript's 3' end. VCF-style (leftmost placement, unchanged base first): chr12-6845593-CCAATGGAGAGG-C. GRCh37 (hg19) VCF-style: chr12-6954757-CCAATGGAGAGG-C.
Other names: c.706_716del, p.Asn236fs (NM_001297571.2); c.*1184_*1194del (NM_001297603.3); short protein forms N236fs, N237fs.
Identifiers: ClinVar variation 1349966 (VCV001349966.8), dbSNP rs782383372, ClinGen allele CA6417648.
Genomic context (GRCh38, chr12:6,845,593, plus strand): 5'-GCTGTGGGCTGCCCAGGTCTGATCCCTGACCCACTTGCCACCCGTGCCCTCAGTTCTTCC[CCAATGGAGAGG>C]CCATCTGCACGGGCTCGGATGACGCTTCCTGCCGCTTGTTTGACCTGCGGGCAGACCAGG-3'

ClinVar aggregate classification (germline): Conflicting classifications of pathogenicity. Review status: criteria provided, conflicting classifications (1 of 4 stars). 2 submissions from 2 submitters: Likely pathogenic (1); Uncertain significance (1). Last evaluated 2025-10-23.

Conditions:
GNB3-related disorders.

Submissions (2):

Labcorp Genetics (formerly Invitae), Labcorp
Classification: Uncertain significance. Last evaluated: 2025-10-23. Review status: criteria provided, single submitter. Criteria: Invitae Variant Classification Sherloc (09022015). Collection method: clinical testing. Allele origin: germline.
Comment: This sequence change creates a premature translational stop signal (p.Asn237Hisfs*7) in the GNB3 gene. It is expected to result in an absent or disrupted protein product. However, the current clinical and genetic evidence is not sufficient to establish whether loss-of-function variants in GNB3 cause disease. This variant is present in population databases (rs782383372, gnomAD 0.002%). This variant has not been reported in the literature in individuals affected with GNB3-related conditions. ClinVar contains an entry for this variant (Variation ID: 1349966). In summary, the available evidence is currently insufficient to determine the role of this variant in disease. Therefore, it has been classified as a Variant of Uncertain Significance.

Blueprint Genetics
Classification: Likely pathogenic for GNB3-related disorders. Last evaluated: 2024-08-13. Review status: criteria provided, single submitter. Criteria: ACMG Guidelines, 2015. Collection method: clinical testing. Allele origin: germline. Affected: yes. Observed: 2 variant alleles.